The following is an entry in ClinVar:

ClinVar aggregate classification (germline): Pathogenic. Review status: criteria provided, multiple submitters, no conflicts (2 of 4 stars). 3 submissions from 3 submitters: Pathogenic (2). 1 of the submissions does not count toward it. Last evaluated 2023-04-17.

Conditions:
Phenylketonuria (PKU). Also called: FOLLING DISEASE; Phenylketonurias; OLIGOPHRENIA PHENYLPYRUVICA; Phenylketonuria (PKU). Identifiers: Orphanet 716, MedGen C0031485, MONDO:0009861, OMIM 261600. Disease mechanism: loss of function.

Submissions (3):

Labcorp Genetics (formerly Invitae), Labcorp
Classification: Pathogenic for Phenylketonuria. Last evaluated: 2023-04-17. Review status: criteria provided, single submitter. Criteria: Invitae Variant Classification Sherloc (09022015). Collection method: clinical testing. Allele origin: germline.
Comment: Algorithms developed to predict the effect of sequence changes on RNA splicing suggest that this variant may disrupt the consensus splice site. For these reasons, this variant has been classified as Pathogenic. ClinVar contains an entry for this variant (Variation ID: 102900). This sequence change creates a premature translational stop signal (p.Leu311*) in the PAH gene. It is expected to result in an absent or disrupted protein product. Loss-of-function variants in PAH are known to be pathogenic (PMID: 1301187, 9634518). This variant is present in population databases (rs62651568, gnomAD no frequency). This premature translational stop signal has been observed in individual(s) with PAH-related conditions (PMID: 10394930).

CeGaT Center for Human Genetics Tuebingen
Classification: Pathogenic. Last evaluated: 2020-04-01. Review status: criteria provided, single submitter. Criteria: CeGaT Center For Human Genetics Tuebingen Variant Classification Criteria Version 2. Collection method: clinical testing. Allele origin: germline. Affected: yes. Observed: 1 variant allele.

DeBelle Laboratory for Biochemical Genetics, MUHC/MCH RESEARCH INSTITUTE
No classification provided. Review status: no classification provided. Collection method: not provided. Allele origin: not provided. Not counted in ClinVar's aggregate classification.

Literature cited by the submitters: PubMed 1301187 (cited by Labcorp Genetics (formerly Invitae), Labcorp); PubMed 9634518 (cited by Labcorp Genetics (formerly Invitae), Labcorp); PubMed 10394930 (cited by Labcorp Genetics (formerly Invitae), Labcorp).

NM_000277.3(PAH):c.930_940del (p.Ser310_Leu311insTer)

Gene: PAH (phenylalanine hydroxylase; minus strand). Cytogenetic location: 12q23.2.
Variant type: Deletion.
Coding change: c.930_940del on transcript NM_000277.3 (MANE Select); coding-DNA positions 930 to 940, 11 bases deleted (TCTGGGTGCAC).
Protein change: p.Ser310_Leu311insTer.
Molecular consequence: frameshift variant.
Genome position (GRCh38, 1-based): chr12:102,846,924-102,846,934, GTGCACCCAGA deleted on the plus strand (TCTGGGTGCAC on the coding strand, the reverse complement: PAH is on the minus strand); deleting any 11 consecutive bases within chr12:102,846,924-102,846,935 gives the same sequence; the c. name uses the placement nearest the transcript's 3' end. VCF-style (leftmost placement, unchanged base first): chr12-102846923-GGTGCACCCAGA-G. GRCh37 (hg19) VCF-style: chr12-103240701-GGTGCACCCAGA-G.
Other names: c.930_940del, p.Ser310_Leu311insTer (NM_001354304.2).
Identifiers: ClinVar variation 102900 (VCV000102900.47), dbSNP rs62651568, ClinGen allele CA229856.